The following is an entry in ClinVar:

NM_001077350.3(NPRL3):c.1676_1677del (p.Pro559fs)

Gene: NPRL3 (NPR3 like, GATOR1 complex subunit; minus strand). Cytogenetic location: 16p13.3.
Variant type: Deletion.
Coding change: c.1676_1677del on transcript NM_001077350.3 (MANE Select); coding-DNA positions 1676 to 1677, 2 bases deleted (CT; older notation c.1676_1677delCT).
Protein change: p.Pro559fs; shifts the reading frame from proline 559.
Molecular consequence: frameshift variant.
Genome position (GRCh38, 1-based): chr16:86,738-86,739, AG deleted on the plus strand (CT on the coding strand, the reverse complement: NPRL3 is on the minus strand). VCF-style (leftmost placement, unchanged base first): chr16-86737-CAG-C. GRCh37 (hg19) VCF-style: chr16-136736-CAG-C.
Other names: c.1139_1140del, p.Pro380fs (NM_001039476.3); c.1442_1443del, p.Pro481fs (NM_001243247.2); c.1601_1602del, p.Pro534fs (NM_001243248.2, NM_001243249.2); short protein forms P380fs, P481fs, P534fs, P559fs.
Identifiers: ClinVar variation 3253305 (VCV003253305.1), dbSNP rs1898489297.

ClinVar aggregate classification (germline): Uncertain significance (1 of 4 stars; one submission).

Submission:

GeneDx
Classification: Uncertain significance. Last evaluated: 2023-06-20. Review status: criteria provided, single submitter. Criteria: GeneDx Variant Classification Process June 2021. Collection method: clinical testing. Allele origin: germline. Affected: yes.
Comment: Not observed at significant frequency in large population cohorts (gnomAD); Frameshift variant predicted to result in protein extension as the last 11 amino acids are replaced with 92 different amino acids, although loss-of-function variants have not been reported downstream of this position in the protein; Has not been previously published as pathogenic or benign to our knowledge